The following is an entry in ClinVar:

ClinVar aggregate classification (germline): Benign. Review status: criteria provided, multiple submitters, no conflicts (2 of 4 stars). 5 submissions from 5 submitters: Benign (4). 1 of the submissions does not count toward it. Last evaluated 2026-02-02.

Conditions:
Methylmalonic acidemia with homocystinuria, type cblX (MAHCX). Also called: INTELLECTUAL DEVELOPMENTAL DISORDER, X-LINKED 3. Identifiers: Orphanet 369962, MedGen C0796208, MONDO:0010657, OMIM 309541.

Allele frequency attached by ClinVar (database versions not stated): gnomAD 0.04695 and 0.05020; 1000 Genomes Project 0.04795; TOPMed 0.05378; ESP Exome Variant Server 0.05438; 1000 Genomes Project 30x 0.04807.
gnomAD v4.1: 10,442 of 1,173,098 alleles (0.89%); highest among the groups gnomAD compares: African/African-American, 16%; 580 homozygotes.

Submissions (5):

Labcorp Genetics (formerly Invitae), Labcorp
Classification: Benign for Methylmalonic acidemia with homocystinuria, type cblX. Last evaluated: 2026-02-02. Review status: criteria provided, single submitter. Criteria: Invitae Variant Classification Sherloc (09022015). Collection method: clinical testing. Allele origin: germline.

Mayo Clinic Laboratories, Mayo Clinic
Classification: Benign. Last evaluated: 2018-04-10. Review status: criteria provided, single submitter. Criteria: ACMG Guidelines, 2015. Collection method: clinical testing. Allele origin: germline. Observed: 18 variant alleles.

GeneDx
Classification: Benign. Last evaluated: 2015-12-26. Review status: criteria provided, single submitter. Criteria: GeneDx Variant Classification (06012015). Collection method: clinical testing. Allele origin: germline. Affected: yes.
Comment: This variant is considered likely benign or benign based on one or more of the following criteria: it is a conservative change, it occurs at a poorly conserved position in the protein, it is predicted to be benign by multiple in silico algorithms, and/or has population frequency not consistent with disease.

Breakthrough Genomics
Classification: Benign. Review status: criteria provided, single submitter. Criteria: ACMG Guidelines, 2015. Collection method: not provided. Allele origin: germline. Inheritance: X-linked inheritance. Affected: yes.

Genetic Services Laboratory, University of Chicago
Classification: Likely benign for AllHighlyPenetrant. Review status: no assertion criteria provided. Collection method: clinical testing. Allele origin: germline. Inheritance: X-linked inheritance. Not counted in ClinVar's aggregate classification.
Comment: Likely benign based on allele frequency in 1000 Genomes Project or ESP global frequency and its presence in a patient with a rare or unrelated disease phenotype. NOT Sanger confirmed.

NM_005334.3(HCFC1):c.2886G>A (p.Leu962=)

Gene: HCFC1 (host cell factor C1; minus strand). Cytogenetic location: Xq28.
Variant type: single nucleotide variant.
Coding change: c.2886G>A on transcript NM_005334.3 (MANE Select); coding-DNA position 2886, G replaced by A.
Protein change: p.Leu962=; no amino-acid change (leucine 962 retained).
Molecular consequence: synonymous variant.
Genome position (GRCh38, 1-based): chrX:153,955,513, C>T on the plus strand (G>A on the coding strand, the complement: HCFC1 is on the minus strand). VCF-style: chrX-153955513-C-T. GRCh37 (hg19) VCF-style: chrX-153220964-C-T.
Other names: p.Leu962=.
Identifiers: ClinVar variation 129219 (VCV000129219.16), dbSNP rs3027883, ClinGen allele CA153070.